The following is an entry in ClinVar:

NM_023936.2(MRPS34):c.365-24C>T

Gene: MRPS34 (mitochondrial ribosomal protein S34; minus strand). Cytogenetic location: 16p13.3.
Variant type: single nucleotide variant.
Coding change: c.365-24C>T on transcript NM_023936.2 (MANE Select); 24 bases into the intron before coding-DNA position 365, C replaced by T.
Molecular consequence: intron variant.
Genome position (GRCh38, 1-based): chr16:1,772,537, G>A on the plus strand (C>T on the coding strand, the complement: MRPS34 is on the minus strand). VCF-style: chr16-1772537-G-A. GRCh37 (hg19) VCF-style: chr16-1822538-G-A.
Other names: c.365-3C>T (NM_001300900.2).
Identifiers: ClinVar variation 1935215 (VCV001935215.4), dbSNP rs748942265, ClinGen allele CA7818365.

ClinVar aggregate classification (germline): Uncertain significance (1 of 4 stars; one submission).

Allele frequency attached by ClinVar (database versions not stated): ExAC 0.00001; TOPMed 0.00001.

Submission:

Labcorp Genetics (formerly Invitae), Labcorp
Classification: Uncertain significance. Last evaluated: 2022-10-05. Review status: criteria provided, single submitter. Criteria: Invitae Variant Classification Sherloc (09022015). Collection method: clinical testing. Allele origin: germline.
Comment: In summary, the available evidence is currently insufficient to determine the role of this variant in disease. Therefore, it has been classified as a Variant of Uncertain Significance. Variants that disrupt the consensus splice site are a relatively common cause of aberrant splicing (PMID: 17576681, 9536098). Algorithms developed to predict the effect of sequence changes on RNA splicing suggest that this variant is not likely to affect RNA splicing. This variant has not been reported in the literature in individuals affected with MRPS34-related conditions. This variant is present in population databases (rs748942265, gnomAD 0.007%). This sequence change falls in intron 2 of the MRPS34 gene. It does not directly change the encoded amino acid sequence of the MRPS34 protein. It affects a nucleotide within the consensus splice site.

Literature cited by the submitters: PubMed 17576681; PubMed 9536098.